The following is an entry in ClinVar:

ClinVar aggregate classification (germline): Uncertain significance (1 of 4 stars; one submission).

Submission:

Labcorp Genetics (formerly Invitae), Labcorp
Classification: Uncertain significance. Last evaluated: 2024-03-18. Review status: criteria provided, single submitter. Criteria: Invitae Variant Classification Sherloc (09022015). Collection method: clinical testing. Allele origin: germline.
Comment: This variant, c.1773_1790dup, results in the insertion of 6 amino acid(s) of the MKL1 protein (p.Leu591_Pro596dup), but otherwise preserves the integrity of the reading frame. This variant is not present in population databases (gnomAD no frequency). This variant has not been reported in the literature in individuals affected with MKL1-related conditions. In summary, the available evidence is currently insufficient to determine the role of this variant in disease. Therefore, it has been classified as a Variant of Uncertain Significance.

NM_020831.6(MRTFA):c.2073_2090dup (p.Pro696_Phe697insLeuGlyProAlaHisPro)

Gene: MRTFA (myocardin related transcription factor A; minus strand). Cytogenetic location: 22q13.1.
Variant type: Duplication.
Coding change: c.2073_2090dup on transcript NM_020831.6 (MANE Select); coding-DNA positions 2073 to 2090, 18 bases duplicated (GGGCCCCGCTCACCCATT).
Protein change: p.Pro696_Phe697insLeuGlyProAlaHisPro.
Molecular consequence: inframe insertion.
Genome position (GRCh38, 1-based): chr22:40,418,648-40,418,665, AATGGGTGAGCGGGGCCC duplicated on the plus strand (GGGCCCCGCTCACCCATT on the coding strand, the reverse complement: MRTFA is on the minus strand); duplicating any 18 consecutive bases within chr22:40,418,648-40,418,666 gives the same sequence; the c. name uses the placement nearest the transcript's 3' end. VCF-style (leftmost placement, unchanged base first): chr22-40418647-G-GAATGGGTGAGCGGGGCCC. GRCh37 (hg19) VCF-style: chr22-40814651-G-GAATGGGTGAGCGGGGCCC.
Other names: c.1773_1790dup, p.Pro596_Phe597insLeuGlyProAlaHisPro (NM_001282660.2); c.1923_1940dup, p.Pro646_Phe647insLeuGlyProAlaHisPro (NM_001282661.3); c.2073_2090dup, p.Pro696_Phe697insLeuGlyProAlaHisPro (NM_001282662.3); c.1878_1895dup, p.Pro631_Phe632insLeuGlyProAlaHisPro (NM_001318139.2).
Identifiers: ClinVar variation 3620036 (VCV003620036.2).